The following is an entry in ClinVar:

ClinVar aggregate classification (germline): Uncertain significance (1 of 4 stars; one submission).

Conditions:
Dyskeratosis congenita, autosomal recessive 6 (DKCB6). Identifiers: MedGen C4225356, MONDO:0014600, OMIM 616353.
Pulmonary fibrosis and/or bone marrow failure, Telomere-related, 4. Also called: PULMONARY FIBROSIS AND/OR BONE MARROW FAILURE SYNDROME, TELOMERE-RELATED, 4. Identifiers: Orphanet 2032, MedGen C4225347, MONDO:0014612, OMIM 616371.

Submission:

Labcorp Genetics (formerly Invitae), Labcorp
Classification: Uncertain significance for Dyskeratosis congenita, autosomal recessive 6; Pulmonary fibrosis and/or bone marrow failure, Telomere-related, 4. Last evaluated: 2025-08-05. Review status: criteria provided, single submitter. Criteria: Invitae Variant Classification Sherloc (09022015). Collection method: clinical testing. Allele origin: germline.
Comment: This sequence change replaces glutamic acid, which is acidic and polar, with valine, which is neutral and non-polar, at codon 236 of the PARN protein (p.Glu236Val). This variant is not present in population databases (gnomAD no frequency). This variant has not been reported in the literature in individuals affected with PARN-related conditions. ClinVar contains an entry for this variant (Variation ID: 1916705). Invitae Evidence Modeling of protein sequence and biophysical properties (such as structural, functional, and spatial information, amino acid conservation, physicochemical variation, residue mobility, and thermodynamic stability) indicates that this missense variant is not expected to disrupt PARN protein function with a negative predictive value of 80%. In summary, the available evidence is currently insufficient to determine the role of this variant in disease. Therefore, it has been classified as a Variant of Uncertain Significance.

NM_002582.4(PARN):c.707A>T (p.Glu236Val)

Gene: PARN (poly(A)-specific ribonuclease; minus strand). Cytogenetic location: 16p13.12.
Variant type: single nucleotide variant.
Coding change: c.707A>T on transcript NM_002582.4 (MANE Select); coding-DNA position 707, A replaced by T.
Protein change: p.Glu236Val; replaces glutamic acid 236 with valine.
Molecular consequence: missense variant.
Genome position (GRCh38, 1-based): chr16:14,604,222, T>A on the plus strand (A>T on the coding strand, the complement: PARN is on the minus strand). VCF-style: chr16-14604222-T-A. GRCh37 (hg19) VCF-style: chr16-14698079-T-A.
Other names: c.524A>T, p.Glu175Val (NM_001134477.3); c.569A>T, p.Glu190Val (NM_001242992.2); short protein forms E175V, E236V, E190V.
Identifiers: ClinVar variation 1916705 (VCV001916705.5), dbSNP rs1971049608, ClinGen allele CA394807966.